The following is an entry in ClinVar:

ClinVar aggregate classification (germline): Conflicting classifications of pathogenicity. Review status: criteria provided, conflicting classifications (1 of 4 stars). 6 submissions from 6 submitters: Likely pathogenic (2); Uncertain significance (3). 1 of the submissions does not count toward it. Last evaluated 2025-11-18.

Conditions:
Hereditary cancer-predisposing syndrome. Also called: Neoplastic Syndromes, Hereditary; Hereditary Cancer Syndrome; Hereditary neoplastic syndrome; Tumor predisposition. Identifiers: Orphanet 140162, MedGen C0027672, MeSH D009386, MONDO:0015356.
Familial adenomatous polyposis 3. Also called: NTHL1-associated polyposis; NTHL1 Tumor Syndrome; NTHL1-related attenuated familial adenomatous polyposis; NTHL1-Related Adenomatous Polyposis and Colorectal Cancer. Identifiers: Orphanet 220460, Orphanet 454840, MedGen C4225157, MONDO:0014630, OMIM 616415.
NTHL1-related disorder. Also called: NTHL1-related conditions; NTHL1-related condition.

Allele frequency attached by ClinVar (database versions not stated): gnomAD exomes below 0.00001; ExAC 0.00001; gnomAD 0.00002; TOPMed 0.00002; ESP Exome Variant Server 0.00008.
gnomAD v4.1: 4 of 1,613,486 alleles (0.00025%); highest among the groups gnomAD compares: African/African-American, 0.004%; no homozygotes.

Submissions (6):

Labcorp Genetics (formerly Invitae), Labcorp
Classification: Uncertain significance. Last evaluated: 2025-11-18. Review status: criteria provided, single submitter. Criteria: Invitae Variant Classification Sherloc (09022015). Collection method: clinical testing. Allele origin: germline.
Comment: This sequence change affects a donor splice site in intron 5 of the NTHL1 gene. RNA analysis indicates that disruption of this splice site induces altered splicing and likely results in the gain of 2 amino acid residue(s), but is expected to preserve the integrity of the reading-frame. This variant is present in population databases (rs374616565, gnomAD 0.007%). This variant has not been reported in the literature in individuals affected with NTHL1-related conditions. ClinVar contains an entry for this variant (Variation ID: 1069732). Variants that disrupt the consensus splice site are a relatively common cause of aberrant splicing (PMID: 17576681, 9536098). Studies have shown that disruption of this splice site results in the activation of a cryptic splice site in intron 5 (internal data). In summary, the available evidence is currently insufficient to determine the role of this variant in disease. Therefore, it has been classified as a Variant of Uncertain Significance.

Quest Diagnostics Nichols Institute San Juan Capistrano
Classification: Uncertain significance. Last evaluated: 2025-09-10. Review status: criteria provided, single submitter. Criteria: Quest Diagnostics criteria. Collection method: clinical testing. Allele origin: unknown.
Comment: The NTHL1 c.815+1G>A variant disrupts a canonical splice-donor site and is predicted to interfere with normal NTHL1 mRNA splicing. This variant has not been reported in individuals with NTHL1-related conditions in the published literature. The frequency of this variant in the general population (Genome Aggregation Database) is uninformative in the assessment of its pathogenicity. Based on the available information, we are unable to determine the clinical significance of this variant.

Ambry Genetics
Classification: Uncertain significance for Hereditary cancer-predisposing syndrome. Last evaluated: 2025-06-03. Review status: criteria provided, single submitter. Criteria: Ambry Variant Classification Scheme 2023. Collection method: clinical testing. Allele origin: germline.
Comment: The c.815+1G>A intronic variant results from a G to A substitution one nucleotide after coding exon 5 of the NTHL1 gene. This nucleotide position is highly conserved in available vertebrate species. In silico splice site analysis predicts that this alteration will weaken the native splice donor site and will result in the creation or strengthening of a novel splice donor site. This novel donor site, if utilized, would result in an in-frame transcript with unknown functional impact; however, direct evidence is insufficient at this time (Ambry internal data). Since supporting evidence is limited at this time, the clinical significance of this alteration remains unclear.

GeneDx
Classification: Likely pathogenic. Last evaluated: 2023-08-15. Review status: criteria provided, single submitter. Criteria: GeneDx Variant Classification Process June 2021. Collection method: clinical testing. Allele origin: germline. Affected: yes.
Comment: Canonical splice site variant predicted to result in a null allele in a gene for which loss of function is a known mechanism of disease; Not observed at significant frequency in large population cohorts (gnomAD); Has not been previously published as pathogenic or benign to our knowledge

Baylor Genetics
Classification: Likely pathogenic for Familial adenomatous polyposis 3. Last evaluated: 2022-11-16. Review status: criteria provided, single submitter. Criteria: ACMG Guidelines, 2015. Collection method: clinical testing. Allele origin: unknown.

PreventionGenetics, part of Exact Sciences
Classification: Likely pathogenic for NTHL1-related condition. Last evaluated: 2024-05-24. Review status: no assertion criteria provided. Collection method: clinical testing. Allele origin: germline. Not counted in ClinVar's aggregate classification.
Comment: The NTHL1 c.815+1G>A variant is predicted to disrupt the GT donor site and interfere with normal splicing. To our knowledge, this variant has not been reported in the literature. This variant is reported in 0.0062% of alleles in individuals of African descent in gnomAD. Variants that disrupt the consensus splice donor site in NTHL1 are expected to be pathogenic. This variant occurs at the splice donor site of the penultimate exon (5 of 6) of the NTHL1 gene and the sequence of exon 5 is not in frame, suggesting this splice donor site variant could result in a frameshifting effect. In addition, a nonsense variant in exon 6 (the last exon), defined as c.859C>T (p.Gln287*), has been reported in the compound heterozygous state with other loss-of-function variants in multiple individuals with NTHL1-associated cancer (see for example, Chubb et al. 2016. PubMed ID: 27329137, Table S4; Broderick et al. 2017. PubMed ID: 27713038; Grolleman et al. 2019. PubMed ID: 30753826, Table 1), and has been classified as likely pathogenic or pathogenic in ClinVar. In ClinVar, the c.815+1G>A variant has been classified as likely pathogenic or a variant of uncertain significance (VUS) (documented as NM_002528.7:c.791+1G>A). Taken together, this variant is interpreted as likely pathogenic.

Literature cited by the submitters: PubMed 17576681 (cited by Labcorp Genetics (formerly Invitae), Labcorp); PubMed 9536098 (cited by Labcorp Genetics (formerly Invitae), Labcorp).

NM_002528.7(NTHL1):c.791+1G>A

Gene: NTHL1 (nth like DNA glycosylase 1; minus strand). Cytogenetic location: 16p13.3.
Variant type: single nucleotide variant.
Coding change: c.791+1G>A on transcript NM_002528.7 (MANE Select); the canonical splice donor site of the intron after coding-DNA position 791, G replaced by A.
Molecular consequence: splice donor variant.
Genome position (GRCh38, 1-based): chr16:2,040,132, C>T on the plus strand (G>A on the coding strand, the complement: NTHL1 is on the minus strand). VCF-style: chr16-2040132-C-T. GRCh37 (hg19) VCF-style: chr16-2090133-C-T.
Other names: c.461+1G>A (NM_001318194.2); c.620+1G>A (NM_001318193.2); c.815+1G>A (NM_002528.6).
Identifiers: ClinVar variation 1069732 (VCV001069732.16), dbSNP rs374616565, ClinGen allele CA7828115.
Genomic context (GRCh38, chr16:2,040,132, plus strand): 5'-TGCTGACAGAGGGCGGGCGGGGTGAGCTCTTCTCCCTAGGAAGCCCCCCACATACTCATA[C>T]CTAGGCAGCCACTCCTCCAGGGCGGCGCGGGTCTCCTCTGGGGACTTGGTTGCCTTCTTG-3'